The following is an entry in ClinVar:

NM_020433.5(JPH2):c.2008G>T (p.Glu670Ter)

Gene: JPH2 (junctophilin 2; minus strand). Cytogenetic location: 20q13.12.
Variant type: single nucleotide variant.
Coding change: c.2008G>T on transcript NM_020433.5 (MANE Select); coding-DNA position 2008, G replaced by T.
Protein change: p.Glu670Ter; replaces glutamic acid 670 with a stop codon.
Molecular consequence: nonsense.
Genome position (GRCh38, 1-based): chr20:44,115,667, C>A on the plus strand (G>T on the coding strand, the complement: JPH2 is on the minus strand). VCF-style: chr20-44115667-C-A. GRCh37 (hg19) VCF-style: chr20-42744307-C-A.
Other names: short protein forms E670*.
Identifiers: ClinVar variation 4843088 (VCV004843088.1).

ClinVar aggregate classification (germline): Uncertain significance (1 of 4 stars; one submission).

Conditions:
Cardiovascular phenotype. Identifiers: MedGen CN230736.

Submission:

Ambry Genetics
Classification: Uncertain significance for Cardiovascular phenotype. Last evaluated: 2025-12-24. Review status: criteria provided, single submitter. Criteria: Ambry Variant Classification Scheme 2023. Collection method: clinical testing. Allele origin: germline.
Comment: The p.E670* variant (also known as c.2008G>T), located in coding exon 4 of the JPH2 gene, results from a G to T substitution at nucleotide position 2008. This changes the amino acid from a glutamic acid to a stop codon within coding exon 4. This alteration is expected to result in loss of function by premature protein truncation or nonsense-mediated mRNA decay. Although biallelic loss of function of JPH2 has been associated with autosomal recessive dilated cardiomyopathy, haploinsufficiency of JPH2 has not been established as a mechanism of disease for autosomal dominant hypertrophic cardiomyopathy. Based on the supporting evidence, this variant is expected to be causative of autosomal recessive JPH2-related dilated cardiomyopathy when present along with a second pathogenic variant on the other allele; however, its clinical significance for autosomal dominant JPH2-related hypertrophic cardiomyopathy is unclear.